The following is an entry in ClinVar:

ClinVar aggregate classification (germline): Uncertain significance. Review status: criteria provided, multiple submitters, no conflicts (2 of 4 stars). 3 submissions from 3 submitters: Uncertain significance (3). Last evaluated 2025-09-02.

Conditions:
Cardiovascular phenotype. Identifiers: MedGen CN230736.
Hereditary cancer-predisposing syndrome. Also called: Tumor predisposition; Hereditary neoplastic syndrome; Neoplastic Syndromes, Hereditary; Hereditary Cancer Syndrome. Identifiers: Orphanet 140162, MedGen C0027672, MeSH D009386, MONDO:0015356.

Submissions (3):

Ambry Genetics
Classification: Uncertain significance for Cardiovascular phenotype; Hereditary cancer-predisposing syndrome. Last evaluated: 2025-09-02. Review status: criteria provided, single submitter. Criteria: Ambry Variant Classification Scheme 2023. Collection method: clinical testing. Allele origin: germline.
Comment: The p.G405S variant (also known as c.1213G>A), located in coding exon 11 of the LZTR1 gene, results from a G to A substitution at nucleotide position 1213. The glycine at codon 405 is replaced by serine, an amino acid with similar properties. This amino acid position is highly conserved in available vertebrate species. In addition, this alteration is predicted to be deleterious by in silico analysis. Based on the available evidence, the clinical significance of this variant remains unclear.

GeneDx
Classification: Uncertain significance. Last evaluated: 2025-08-13. Review status: criteria provided, single submitter. Criteria: GeneDx Variant Classification Process June 2021. Collection method: clinical testing. Allele origin: germline. Affected: yes.
Comment: Not observed at significant frequency in large population cohorts (gnomAD); In silico analysis supports that this missense variant has a deleterious effect on protein structure/function; Has not been previously published as pathogenic or benign to our knowledge

Labcorp Genetics (formerly Invitae), Labcorp
Classification: Uncertain significance. Last evaluated: 2024-02-04. Review status: criteria provided, single submitter. Criteria: Invitae Variant Classification Sherloc (09022015). Collection method: clinical testing. Allele origin: germline.
Comment: This sequence change replaces glycine, which is neutral and non-polar, with serine, which is neutral and polar, at codon 405 of the LZTR1 protein (p.Gly405Ser). This variant is not present in population databases (gnomAD no frequency). This variant has not been reported in the literature in individuals affected with LZTR1-related conditions. Advanced modeling of protein sequence and biophysical properties (such as structural, functional, and spatial information, amino acid conservation, physicochemical variation, residue mobility, and thermodynamic stability) performed at Invitae indicates that this missense variant is not expected to disrupt LZTR1 protein function with a negative predictive value of 80%. This variant disrupts the p.Gly405 amino acid residue in LZTR1. Other variant(s) that disrupt this residue have been determined to be pathogenic (Invitae). This suggests that this residue is clinically significant, and that variants that disrupt this residue are likely to be disease-causing. In summary, the available evidence is currently insufficient to determine the role of this variant in disease. Therefore, it has been classified as a Variant of Uncertain Significance.

NM_006767.4(LZTR1):c.1213G>A (p.Gly405Ser)

Gene: LZTR1 (leucine zipper like post translational regulator 1; plus strand). Cytogenetic location: 22q11.21.
Variant type: single nucleotide variant.
Coding change: c.1213G>A on transcript NM_006767.4 (MANE Select); coding-DNA position 1213, G replaced by A.
Protein change: p.Gly405Ser; replaces glycine 405 with serine.
Molecular consequence: missense variant.
Genome position (GRCh38, 1-based): chr22:20,992,857, G>A. VCF-style: chr22-20992857-G-A. GRCh37 (hg19) VCF-style: chr22-21347146-G-A.
Other names: c.1213G>A (NM_006767.3); short protein forms G405S.
Identifiers: ClinVar variation 3621776 (VCV003621776.3).
Genomic context (GRCh38, chr22:20,992,857, plus strand): 5'-CCCAGTGGGAGGCTCTTCCACGCGGCTGCTGTCATCTCGGACGCCATGTACATCTTCGGG[G>A]GCACGGTGGACAACAACATCCGCAGCGGGGAGATGTACAGGTTCCAGGTGTGGGGCCTGT-3'
Protein context (NP_006758.2, residues 395-415): VISDAMYIFG[Gly405Ser]TVDNNIRSGE